The following is an entry in ClinVar:

NM_000368.5(TSC1):c.2527C>T (p.Gln843Ter)

Gene: TSC1 (TSC complex subunit 1; minus strand). Cytogenetic location: 9q34.13.
Variant type: single nucleotide variant.
Coding change: c.2527C>T on transcript NM_000368.5 (MANE Select); coding-DNA position 2527, C replaced by T.
Protein change: p.Gln843Ter; replaces glutamine 843 with a stop codon.
Molecular consequence: nonsense. On other transcripts: non-coding transcript variant (5).
Genome position (GRCh38, 1-based): chr9:132,900,813, G>A on the plus strand (C>T on the coding strand, the complement: TSC1 is on the minus strand). VCF-style: chr9-132900813-G-A. GRCh37 (hg19) VCF-style: chr9-135776200-G-A.
Other names: c.2482C>T, p.Gln828Ter (NM_001406608.1, NM_001406609.1); c.2374C>T, p.Gln792Ter (NM_001406610.1, NM_001162427.2); c.2371C>T, p.Gln791Ter (NM_001406611.1, NM_001406612.1); c.2329C>T, p.Gln777Ter (NM_001406613.1); c.2164C>T, p.Gln722Ter (NM_001406614.1, NM_001406615.1, NM_001406616.1 and 4 more transcripts); c.2161C>T, p.Gln721Ter (NM_001406620.1, NM_001406621.1, NM_001406622.1 and 1 more transcripts); c.2122C>T, p.Gln708Ter (NM_001406624.1); c.2119C>T, p.Gln707Ter (NM_001406625.1); and 8 more; short protein forms Q492*, Q525*, Q526*, Q707*, Q708*, Q721*, Q722*, Q777*.
Identifiers: ClinVar variation 4277250 (VCV004277250.3).

ClinVar aggregate classification (germline): Pathogenic/Likely pathogenic. Review status: criteria provided, multiple submitters, no conflicts (2 of 4 stars). 3 submissions from 3 submitters: Pathogenic (1); Likely pathogenic (2). Last evaluated 2025-12-28.

Conditions:
Tuberous sclerosis 1 (TSC1). Identifiers: Orphanet 805, MedGen C1854465, MONDO:0008612, OMIM 191100.
TSC1-related disorder. Also called: TSC1-related condition.

Submissions (3):

Labcorp Genetics (formerly Invitae), Labcorp
Classification: Pathogenic for Tuberous sclerosis 1. Last evaluated: 2025-12-28. Review status: criteria provided, single submitter. Criteria: Invitae Variant Classification Sherloc (09022015). Collection method: clinical testing. Allele origin: germline.
Comment: This sequence change creates a premature translational stop signal (p.Gln843*) in the TSC1 gene. It is expected to result in an absent or disrupted protein product. Loss-of-function variants in TSC1 are known to be pathogenic (PMID: 10227394, 17304050). This variant is not present in population databases (gnomAD no frequency). This premature translational stop signal has been observed in individual(s) with tuberous sclerosis complex (PMID: 26540169). ClinVar contains an entry for this variant (Variation ID: 4277250). For these reasons, this variant has been classified as Pathogenic.

MVZ Medizinische Genetik Mainz
Classification: Likely pathogenic for Tuberous sclerosis 1. Last evaluated: 2025-09-02. Review status: criteria provided, single submitter. Criteria: UK Practice Guidelines For Variant Classification V4 01 2020. Collection method: clinical testing. Allele origin: germline. Inheritance: Autosomal dominant inheritance. Observed: 1 variant allele.
Comment: ACMG Criteria: PVS1,PM2_SUP

Blueprint Genetics
Classification: Likely pathogenic for TSC1-related disorders. Last evaluated: 2021-03-19. Review status: criteria provided, single submitter. Criteria: ACMG Guidelines, 2015. Collection method: clinical testing. Allele origin: germline. Affected: yes. Observed: 1 variant allele.

Literature cited by the submitters: PubMed 10227394 (cited by Labcorp Genetics (formerly Invitae), Labcorp); PubMed 17304050 (cited by Labcorp Genetics (formerly Invitae), Labcorp); PubMed 26540169 (cited by Labcorp Genetics (formerly Invitae), Labcorp).